The following is an entry in ClinVar:

NM_000155.4(GALT):c.697G>T (p.Val233Phe)

Gene: GALT (galactose-1-phosphate uridylyltransferase; plus strand). Cytogenetic location: 9p13.3.
Variant type: single nucleotide variant.
Coding change: c.697G>T on transcript NM_000155.4 (MANE Select); coding-DNA position 697, G replaced by T.
Protein change: p.Val233Phe; replaces valine 233 with phenylalanine.
Molecular consequence: missense variant.
Genome position (GRCh38, 1-based): chr9:34,648,771, G>T. VCF-style: chr9-34648771-G-T. GRCh37 (hg19) VCF-style: chr9-34648768-G-T.
Other names: c.370G>T, p.Val124Phe (NM_001258332.2); short protein forms V124F, V233F.
Identifiers: ClinVar variation 2627523 (VCV002627523.1), dbSNP rs111033843, ClinGen allele CA373283352.

ClinVar aggregate classification (germline): Uncertain significance (1 of 4 stars; one submission).

Conditions:
Deficiency of UDPglucose-hexose-1-phosphate uridylyltransferase. Also called: GALACTOSEMIA I; GALT deficiency; Galactosemia, classic; Transferase Deficiency Galactosemia; GALACTOSE-1-PHOSPHATE URIDYLYLTRANSFERASE DEFICIENCY. Identifiers: Orphanet 352, Orphanet 79239, MedGen C0268151, MONDO:0009258, OMIM 230400.

Submission:

Neuberg Centre For Genomic Medicine, NCGM
Classification: Uncertain significance for Deficiency of UDPglucose-hexose-1-phosphate uridylyltransferase. Review status: criteria provided, single submitter. Criteria: ACMG Guidelines, 2015. Collection method: clinical testing. Allele origin: germline. Inheritance: Autosomal recessive inheritance. Affected: yes.
Comment: The missense variant p.V233F in GALT (NM_000155.4) has not been reported previously as a pathogenic variant nor as a benign variant, to our knowledge. The p.V233F variant is novel (not in any individuals) in gnomAD Exomes and is novel (not in any individuals) in 1000 Genomes. The p.V233F missense variant is predicted to be damaging by both SIFT and PolyPhen2. The valine residue at codon 233 of GALT is conserved in all mammalian species. The nucleotide c.697 in GALT is predicted conserved by GERP++ and PhyloP across 100 vertebrates. For these reasons, this variant has been classified as Uncertain Significance.